The following is an entry in ClinVar:

ClinVar aggregate classification (germline): Likely benign. Review status: criteria provided, multiple submitters, no conflicts (2 of 4 stars). 2 submissions from 2 submitters: Likely benign (2). Last evaluated 2018-06-14.

Allele frequency attached by ClinVar (database versions not stated): gnomAD exomes 0.00083; gnomAD 0.00778 and 0.00827; TOPMed 0.00859; 1000 Genomes Project 0.01258; 1000 Genomes Project 30x 0.01359.
gnomAD v4.1: 2,422 of 1,562,066 alleles (0.16%); highest among the groups gnomAD compares: African/African-American, 2.6%; 36 homozygotes.

Submissions (2):

GeneDx
Classification: Likely benign. Last evaluated: 2018-06-14. Review status: criteria provided, single submitter. Criteria: GeneDx Variant Classification (06012015). Collection method: clinical testing. Allele origin: germline. Affected: yes.
Comment: This variant is considered likely benign or benign based on one or more of the following criteria: it is a conservative change, it occurs at a poorly conserved position in the protein, it is predicted to be benign by multiple in silico algorithms, and/or has population frequency not consistent with disease.

Breakthrough Genomics
Classification: Likely benign. Review status: criteria provided, single submitter. Criteria: ACMG Guidelines, 2015. Collection method: not provided. Allele origin: germline. Inheritance: Autosomal dominant inheritance. Affected: yes.

NM_001040142.2(SCN2A):c.1671+64T>C

Gene: SCN2A (sodium voltage-gated channel alpha subunit 2; plus strand). Cytogenetic location: 2q24.3.
Variant type: single nucleotide variant.
Coding change: c.1671+64T>C on transcript NM_001040142.2 (MANE Select); 64 bases into the intron after coding-DNA position 1671, T replaced by C.
Molecular consequence: intron variant.
Genome position (GRCh38, 1-based): chr2:165,315,822, T>C. VCF-style: chr2-165315822-T-C. GRCh37 (hg19) VCF-style: chr2-166172332-T-C.
Other names: c.1671+64T>C (NM_001040143.2, NM_001371246.1, NM_001371247.1 and 1 more transcripts).
Identifiers: ClinVar variation 673510 (VCV000673510.2), dbSNP rs144133675, ClinGen allele CA59731894.